The following is an entry in ClinVar:

NM_001148.6(ANK2):c.8680G>T (p.Asp2894Tyr)

Gene: ANK2 (ankyrin 2; plus strand). Cytogenetic location: 4q26.
Variant type: single nucleotide variant.
Coding change: c.8680G>T on transcript NM_001148.6 (MANE Select); coding-DNA position 8680, G replaced by T.
Protein change: p.Asp2894Tyr; replaces aspartic acid 2894 with tyrosine.
Molecular consequence: missense variant. On other transcripts: intron variant (68).
Genome position (GRCh38, 1-based): chr4:113,357,298, G>T. VCF-style: chr4-113357298-G-T. GRCh37 (hg19) VCF-style: chr4-114278454-G-T.
Other names: c.8446G>T, p.Asp2816Tyr (NM_001386142.1); c.5080G>T, p.Asp1694Tyr (NM_001386166.1); c.8821G>T, p.Asp2941Tyr (NM_001386174.1); c.8797G>T, p.Asp2933Tyr (NM_001386175.1); c.4412-3525G>T (NM_001386186.2, NM_001386148.2); c.4214-3525G>T (NM_001354269.3); c.4292-3525G>T (NM_001386187.2); c.4253-3525G>T (NM_001386147.1); and 35 more; short protein forms D2816Y, D2933Y, D2941Y, D1694Y, D2894Y.
Identifiers: ClinVar variation 3294883 (VCV003294883.1).

ClinVar aggregate classification (germline): Uncertain significance (1 of 4 stars; one submission).

Conditions:
Cardiovascular phenotype. Identifiers: MedGen CN230736.

Submission:

Ambry Genetics
Classification: Uncertain significance for Cardiovascular phenotype. Last evaluated: 2024-04-14. Review status: criteria provided, single submitter. Criteria: Ambry Variant Classification Scheme 2023. Collection method: clinical testing. Allele origin: germline.
Comment: The p.D2894Y variant (also known as c.8680G>T), located in coding exon 38 of the ANK2 gene, results from a G to T substitution at nucleotide position 8680. The aspartic acid at codon 2894 is replaced by tyrosine, an amino acid with highly dissimilar properties. This amino acid position is conserved. In addition, this alteration is predicted to be tolerated by in silico analysis. Based on the available evidence, the clinical significance of this variant remains unclear.